The following is an entry in ClinVar:

NM_004260.4(RECQL4):c.1048del (p.Arg350fs)

Gene: RECQL4 (RecQ like helicase 4; minus strand). Cytogenetic location: 8q24.3.
Variant type: Deletion.
Coding change: c.1048del on transcript NM_004260.4 (MANE Select); coding-DNA position 1048, one base deleted (A; older notation c.1048delA).
Protein change: p.Arg350fs; shifts the reading frame from arginine 350.
Molecular consequence: frameshift variant.
Genome position (GRCh38, 1-based): chr8:144,516,071, T deleted on the plus strand (A on the coding strand, the reverse complement: RECQL4 is on the minus strand). VCF-style (leftmost placement, unchanged base first): chr8-144516070-CT-C. GRCh37 (hg19) VCF-style: chr8-145741454-CT-C.
Other names: short protein forms R350fs.
Identifiers: ClinVar variation 1076598 (VCV001076598.7), dbSNP rs770874039, ClinGen allele CA4949096.

ClinVar aggregate classification (germline): Pathogenic. Review status: criteria provided, multiple submitters, no conflicts (2 of 4 stars). 2 submissions from 2 submitters: Pathogenic (2). Last evaluated 2023-08-17.

Conditions:
Baller-Gerold syndrome (BGS). Also called: CRANIOSYNOSTOSIS WITH RADIAL DEFECTS. Identifiers: Orphanet 1225, MedGen C0265308, MONDO:0009039, OMIM 218600.

Allele frequency attached by ClinVar (database versions not stated): gnomAD exomes below 0.00001; TOPMed below 0.00001; ExAC 0.00001; gnomAD 0.00001.

Submissions (2):

Labcorp Genetics (formerly Invitae), Labcorp
Classification: Pathogenic for Baller-Gerold syndrome. Last evaluated: 2023-08-17. Review status: criteria provided, single submitter. Criteria: Invitae Variant Classification Sherloc (09022015). Collection method: clinical testing. Allele origin: germline.
Comment: For these reasons, this variant has been classified as Pathogenic. Algorithms developed to predict the effect of sequence changes on RNA splicing suggest that this variant may disrupt the consensus splice site. ClinVar contains an entry for this variant (Variation ID: 1076598). This variant has not been reported in the literature in individuals affected with RECQL4-related conditions. This variant is present in population databases (rs770874039, gnomAD 0.0009%). This sequence change creates a premature translational stop signal (p.Arg350Glyfs*9) in the RECQL4 gene. It is expected to result in an absent or disrupted protein product. Loss-of-function variants in RECQL4 are known to be pathogenic (PMID: 12734318, 12952869).

Department of Maternal-Fetal Biology, National Research Institute for Child Health and Development
Classification: Pathogenic for Baller-Gerold syndrome. Last evaluated: 2022-01-01. Review status: criteria provided, single submitter. Criteria: ACMG Guidelines, 2015. Collection method: research. Allele origin: maternal. Affected: yes. Observed: 1 variant allele.

Literature cited by the submitters: PubMed 12734318 (cited by Labcorp Genetics (formerly Invitae), Labcorp); PubMed 12952869 (cited by Labcorp Genetics (formerly Invitae), Labcorp).